The following is an entry in ClinVar:

NM_002734.5(PRKAR1A):c.-6-2A>C

Gene: PRKAR1A (protein kinase cAMP-dependent type I regulatory subunit alpha; plus strand). Cytogenetic location: 17q24.2.
Variant type: single nucleotide variant.
Coding change: c.-6-2A>C on transcript NM_002734.5 (MANE Select); the canonical splice acceptor site of the intron before 6 bases upstream of the start codon, A replaced by C.
Molecular consequence: splice acceptor variant.
Genome position (GRCh38, 1-based): chr17:68,515,392, A>C. VCF-style: chr17-68515392-A-C. GRCh37 (hg19) VCF-style: chr17-66511533-A-C.
Other names: c.-6-2A>C (NM_001278433.2, NM_001369389.1, NM_212471.3 and 3 more transcripts).
Identifiers: ClinVar variation 3699530 (VCV003699530.2).

ClinVar aggregate classification (germline): Uncertain significance (1 of 4 stars; one submission).

Conditions:
Carney complex, type 1 (CNC1). Also called: CARNEY MYXOMA-ENDOCRINE COMPLEX; CARNEY COMPLEX, TYPE I. Identifiers: Orphanet 1359, MedGen C2607929, MONDO:0008057, OMIM 160980.

Submission:

Labcorp Genetics (formerly Invitae), Labcorp
Classification: Uncertain significance for Carney complex, type 1. Last evaluated: 2025-07-23. Review status: criteria provided, single submitter. Criteria: Invitae Variant Classification Sherloc (09022015). Collection method: clinical testing. Allele origin: germline.
Comment: This variant occurs in a non-coding region of the PRKAR1A gene. It does not change the encoded amino acid sequence of the PRKAR1A protein. It affects a nucleotide within the consensus splice site. This variant is not present in population databases (gnomAD no frequency). This variant has not been reported in the literature in individuals affected with PRKAR1A-related conditions. ClinVar contains an entry for this variant (Variation ID: 3699530). Variants that disrupt the consensus splice site are a relatively common cause of aberrant splicing (PMID: 17576681, 9536098). Algorithms developed to predict the effect of sequence changes on RNA splicing suggest that this variant may disrupt the consensus splice site. In summary, the available evidence is currently insufficient to determine the role of this variant in disease. Therefore, it has been classified as a Variant of Uncertain Significance.

Literature cited by the submitters: PubMed 17576681; PubMed 9536098.